The following is an entry in ClinVar:

NM_006939.4(SOS2):c.2217G>T (p.Lys739Asn)

Gene: SOS2 (SOS Ras/Rho guanine nucleotide exchange factor 2; minus strand). Cytogenetic location: 14q21.3.
Variant type: single nucleotide variant.
Coding change: c.2217G>T on transcript NM_006939.4 (MANE Select); coding-DNA position 2217, G replaced by T.
Protein change: p.Lys739Asn; replaces lysine 739 with asparagine.
Molecular consequence: missense variant.
Genome position (GRCh38, 1-based): chr14:50,150,175, C>A on the plus strand (G>T on the coding strand, the complement: SOS2 is on the minus strand). VCF-style: chr14-50150175-C-A. GRCh37 (hg19) VCF-style: chr14-50616893-C-A.
Other names: short protein forms K739N.
Identifiers: ClinVar variation 1361688 (VCV001361688.45), dbSNP rs186110427, ClinGen allele CA7177091.

ClinVar aggregate classification (germline): Conflicting classifications of pathogenicity. Review status: criteria provided, conflicting classifications (1 of 4 stars). 7 submissions from 7 submitters: Uncertain significance (5); Likely benign (2). Last evaluated 2026-02-01.

Conditions:
Noonan syndrome 9 (NS9). Identifiers: Orphanet 648, MedGen C4225282, MONDO:0014691, OMIM 616559.
Cardiovascular phenotype. Identifiers: MedGen CN230736.

Allele frequency attached by ClinVar (database versions not stated): TOPMed 0.00004.
gnomAD v4.1: 52 of 1,613,456 alleles (0.0032%); highest among the groups gnomAD compares: Non-Finnish European, 0.0041%; no homozygotes.

Submissions (7):

Labcorp Genetics (formerly Invitae), Labcorp
Classification: Likely benign for Noonan syndrome 9. Last evaluated: 2026-02-01. Review status: criteria provided, single submitter. Criteria: Invitae Variant Classification Sherloc (09022015). Collection method: clinical testing. Allele origin: germline.

Women's Health and Genetics/Laboratory Corporation of America, LabCorp
Classification: Likely benign. Last evaluated: 2025-06-30. Review status: criteria provided, single submitter. Criteria: LabCorp Variant Classification Summary - May 2015. Collection method: clinical testing. Allele origin: germline.
Comment: Variant summary: SOS2 c.2217G>T (p.Lys739Asn) results in a non-conservative amino acid change in the encoded protein sequence. Algorithms developed to predict the effect of missense changes on protein structure and function are either unavailable or do not agree on the potential impact of this missense change. The variant allele was found at a frequency of 3.2e-05 in 1613456 control chromosomes, predominantly at a frequency of 4.1e-05 within the Non-Finnish European subpopulation in the gnomAD database. The observed variant frequency within Non-Finnish European control individuals in the gnomAD database is approximately 16 fold of the estimated maximal expected allele frequency for a pathogenic variant in SOS2 causing Noonan Syndrome phenotype (2.5e-06). To our knowledge, no occurrence of c.2217G>T in individuals affected with Noonan Syndrome and no experimental evidence demonstrating its impact on protein function have been reported. ClinVar contains an entry for this variant (Variation ID: 1361688). Based on the evidence outlined above, the variant was classified as likely benign.

GeneDx
Classification: Uncertain significance. Last evaluated: 2025-06-10. Review status: criteria provided, single submitter. Criteria: GeneDx Variant Classification Process June 2021. Collection method: clinical testing. Allele origin: germline. Affected: yes.
Comment: In silico analysis suggests that this missense variant does not alter protein structure/function; Has not been previously published as pathogenic or benign to our knowledge

Ambry Genetics
Classification: Uncertain significance for Cardiovascular phenotype. Last evaluated: 2025-02-20. Review status: criteria provided, single submitter. Criteria: Ambry Variant Classification Scheme 2023. Collection method: clinical testing. Allele origin: germline.
Comment: The p.K739N variant (also known as c.2217G>T), located in coding exon 14 of the SOS2 gene, results from a G to T substitution at nucleotide position 2217. The lysine at codon 739 is replaced by asparagine, an amino acid with similar properties. This amino acid position is conserved. In addition, this alteration is predicted to be tolerated by in silico analysis. Since supporting evidence is limited at this time, the clinical significance of this alteration remains unclear.

CeGaT Center for Human Genetics Tuebingen
Classification: Uncertain significance. Last evaluated: 2022-02-01. Review status: criteria provided, single submitter. Criteria: CeGaT Center For Human Genetics Tuebingen Variant Classification Criteria Version 2. Collection method: clinical testing. Allele origin: germline. Affected: yes. Observed: 1 variant allele.

Breakthrough Genomics
Classification: Uncertain significance. Review status: criteria provided, single submitter. Criteria: ACMG Guidelines, 2015. Collection method: not provided. Allele origin: germline. Inheritance: Autosomal dominant inheritance. Affected: yes.

Genome-Nilou Lab
Classification: Uncertain significance for Noonan syndrome 9. Review status: criteria provided, single submitter. Criteria: ACMG Guidelines, 2015. Collection method: clinical testing. Allele origin: germline.